The following is an entry in ClinVar:

ClinVar aggregate classification (germline): Conflicting classifications of pathogenicity. Review status: criteria provided, conflicting classifications (1 of 4 stars). 4 submissions from 3 submitters: Uncertain significance (1); Benign (1); Likely benign (1). 1 of the submissions does not count toward it. Last evaluated 2024-01-18.

Conditions:
SYNE1-related disorder. Also called: SYNE1-related disorders; SYNE1-related disease; SYNE1-related condition.
Autosomal recessive ataxia, Beauce type. Also called: SYNE1 Deficiency; SYNE1-Related Autosomal Recessive Cerebellar Ataxia; Spinocerebellar ataxia, autosomal recessive 8; ATAXIA, RECESSIVE, OF BEAUCE. Identifiers: Orphanet 88644, MedGen C1853116, MONDO:0012549, OMIM 610743.
Emery-Dreifuss muscular dystrophy 4, autosomal dominant (EDMD4). Also called: EMERY-DREIFUSS MUSCULAR DYSTROPHY 4 WITH VARIABLE FEATURES. Identifiers: Orphanet 261, MedGen C2751807, MONDO:0013071, OMIM 612998.

Allele frequency attached by ClinVar (database versions not stated): gnomAD 0.00006 and 0.00008; TOPMed 0.00010; ExAC 0.00014; gnomAD exomes 0.00016; 1000 Genomes Project 30x 0.00031; 1000 Genomes Project 0.00040.
gnomAD v4.1: 99 of 1,614,168 alleles (0.0061%); highest among the groups gnomAD compares: East Asian, 0.21%; no homozygotes.

Submissions (4):

Labcorp Genetics (formerly Invitae), Labcorp
Classification: Likely benign for Emery-Dreifuss muscular dystrophy 4, autosomal dominant; Autosomal recessive ataxia, Beauce type. Last evaluated: 2024-01-18. Review status: criteria provided, single submitter. Criteria: Invitae Variant Classification Sherloc (09022015). Collection method: clinical testing. Allele origin: germline.

Illumina Laboratory Services, Illumina
Classification: Uncertain significance for Autosomal recessive ataxia, Beauce type. Last evaluated: 2018-01-13. Review status: criteria provided, single submitter. Criteria: ICSL Variant Classification Criteria 13 December 2019. Collection method: clinical testing. Allele origin: germline.

Illumina Laboratory Services, Illumina
Classification: Benign for Emery-Dreifuss muscular dystrophy 4, autosomal dominant. Last evaluated: 2018-01-13. Review status: criteria provided, single submitter. Criteria: ICSL Variant Classification Criteria 13 December 2019. Collection method: clinical testing. Allele origin: germline.
Comment: This variant was observed in the ICSL laboratory as part of a predisposition screen in an ostensibly healthy population. It had not been previously curated by ICSL or reported in the Human Gene Mutation Database (HGMD: prior to June 1st, 2018), and was therefore a candidate for classification through an automated scoring system. Utilizing variant allele frequency, disease prevalence and penetrance estimates, and inheritance mode, an automated score was calculated to assess if this variant is too frequent to cause the disease. Based on the score and internal cut-off values, a variant classified as benign is not then subjected to further curation. The score for this variant resulted in a classification of benign for this disease.

PreventionGenetics, part of Exact Sciences
Classification: Likely benign for SYNE1-related condition. Last evaluated: 2019-02-20. Review status: no assertion criteria provided. Collection method: clinical testing. Allele origin: germline. Not counted in ClinVar's aggregate classification.
Comment: This variant is classified as likely benign based on ACMG/AMP sequence variant interpretation guidelines (Richards et al. 2015 PMID: 25741868, with internal and published modifications).

NM_182961.4(SYNE1):c.6021A>G (p.Lys2007=)

Gene: SYNE1 (spectrin repeat containing nuclear envelope protein 1; minus strand). Cytogenetic location: 6q25.2.
Variant type: single nucleotide variant.
Coding change: c.6021A>G on transcript NM_182961.4 (MANE Select); coding-DNA position 6021, A replaced by G.
Protein change: p.Lys2007=; no amino-acid change (lysine 2007 retained).
Molecular consequence: synonymous variant.
Genome position (GRCh38, 1-based): chr6:152,416,416, T>C on the plus strand (A>G on the coding strand, the complement: SYNE1 is on the minus strand). VCF-style: chr6-152416416-T-C. GRCh37 (hg19) VCF-style: chr6-152737551-T-C.
Other names: c.6042A>G, p.Lys2014= (NM_033071.5).
Identifiers: ClinVar variation 355920 (VCV000355920.16), dbSNP rs533039765, ClinGen allele CA4058187.